The following is an entry in ClinVar:

NM_001711.6(BGN):c.611C>G (p.Ala204Gly)

Gene: BGN (biglycan; plus strand). Cytogenetic location: Xq28.
Variant type: single nucleotide variant.
Coding change: c.611C>G on transcript NM_001711.6 (MANE Select); coding-DNA position 611, C replaced by G.
Protein change: p.Ala204Gly; replaces alanine 204 with glycine.
Molecular consequence: missense variant.
Genome position (GRCh38, 1-based): chrX:153,506,574, C>G. VCF-style: chrX-153506574-C-G. GRCh37 (hg19) VCF-style: chrX-152772032-C-G.
Other names: short protein forms A204G.
Identifiers: ClinVar variation 2848363 (VCV002848363.3), dbSNP rs782313100, ClinGen allele CA415070627.

ClinVar aggregate classification (germline): Uncertain significance (1 of 4 stars; one submission).

Allele frequency attached by ClinVar (database versions not stated): gnomAD exomes below 0.00001.
gnomAD v4.1: 1 of 1,211,108 alleles (0.000083%); highest among the groups gnomAD compares: African/African-American, 0.0017%; no homozygotes.

Submission:

Labcorp Genetics (formerly Invitae), Labcorp
Classification: Uncertain significance. Last evaluated: 2023-04-17. Review status: criteria provided, single submitter. Criteria: Invitae Variant Classification Sherloc (09022015). Collection method: clinical testing. Allele origin: germline.
Comment: In summary, the available evidence is currently insufficient to determine the role of this variant in disease. Therefore, it has been classified as a Variant of Uncertain Significance. Advanced modeling of protein sequence and biophysical properties (such as structural, functional, and spatial information, amino acid conservation, physicochemical variation, residue mobility, and thermodynamic stability) has been performed at Invitae for this missense variant, however the output from this modeling did not meet the statistical confidence thresholds required to predict the impact of this variant on BGN protein function. This variant has not been reported in the literature in individuals affected with BGN-related conditions. This variant is not present in population databases (gnomAD no frequency). This sequence change replaces alanine, which is neutral and non-polar, with glycine, which is neutral and non-polar, at codon 204 of the BGN protein (p.Ala204Gly).